The following is an entry in ClinVar:

NM_003098.3(SNTA1):c.1258C>T (p.Pro420Ser)

Gene: SNTA1 (syntrophin alpha 1; minus strand). Cytogenetic location: 20q11.21.
Variant type: single nucleotide variant.
Coding change: c.1258C>T on transcript NM_003098.3 (MANE Select); coding-DNA position 1258, C replaced by T.
Protein change: p.Pro420Ser; replaces proline 420 with serine.
Molecular consequence: missense variant.
Genome position (GRCh38, 1-based): chr20:33,408,868, G>A on the plus strand (C>T on the coding strand, the complement: SNTA1 is on the minus strand). VCF-style: chr20-33408868-G-A. GRCh37 (hg19) VCF-style: chr20-31996674-G-A.
Other names: short protein forms P420S.
Identifiers: ClinVar variation 1762310 (VCV001762310.3), dbSNP rs764137450, ClinGen allele CA9816995.
Genomic context (GRCh38, chr20:33,408,868, plus strand): 5'-CACCTGGCTCAGCCGCCCACAGTGTGAAGCCCTTGTCGATGTGCACAGACAGGCTGCAGG[G>A]ACGCCCATTCCACGTGCAGGCTGCAGGGAGGGCACATAGGTACAGGCACAGCTGGCACCT-3'
Protein context (NP_003089.1, residues 410-430): VSTACTWNGR[Pro420Ser]CSLSVHIDKG

ClinVar aggregate classification (germline): Uncertain significance (1 of 4 stars; one submission).

Conditions:
Cardiovascular phenotype. Identifiers: MedGen CN230736.

Allele frequency attached by ClinVar (database versions not stated): ExAC 0.00001; TOPMed 0.00001.
gnomAD v4.1: 8 of 1,614,124 alleles (0.0005%); highest among the groups gnomAD compares: East Asian, 0.0022%; no homozygotes.

Submission:

Ambry Genetics
Classification: Uncertain significance for Cardiovascular phenotype. Last evaluated: 2024-06-26. Review status: criteria provided, single submitter. Criteria: Ambry Variant Classification Scheme 2023. Collection method: clinical testing. Allele origin: germline.
Comment: The p.P420S variant (also known as c.1258C>T), located in coding exon 7 of the SNTA1 gene, results from a C to T substitution at nucleotide position 1258. The proline at codon 420 is replaced by serine, an amino acid with similar properties. This amino acid position is conserved. In addition, this alteration is predicted to be tolerated by in silico analysis. Since supporting evidence is limited at this time, the clinical significance of this alteration remains unclear.